The following is an entry in ClinVar:

NM_006361.6(HOXB13):c.378G>T (p.Glu126Asp)

Gene: HOXB13 (homeobox B13; minus strand). Cytogenetic location: 17q21.32.
Variant type: single nucleotide variant.
Coding change: c.378G>T on transcript NM_006361.6 (MANE Select); coding-DNA position 378, G replaced by T.
Protein change: p.Glu126Asp; replaces glutamic acid 126 with aspartic acid.
Molecular consequence: missense variant.
Genome position (GRCh38, 1-based): chr17:48,728,216, C>A on the plus strand (G>T on the coding strand, the complement: HOXB13 is on the minus strand). VCF-style: chr17-48728216-C-A. GRCh37 (hg19) VCF-style: chr17-46805578-C-A.
Other names: short protein forms E126D.
Identifiers: ClinVar variation 2625785 (VCV002625785.2), dbSNP rs1597934313, ClinGen allele CA400107585.

ClinVar aggregate classification (germline): Uncertain significance (1 of 4 stars; one submission).

Conditions:
Hereditary cancer-predisposing syndrome. Also called: Tumor predisposition; Hereditary Cancer Syndrome; Hereditary neoplastic syndrome; Neoplastic Syndromes, Hereditary. Identifiers: Orphanet 140162, MedGen C0027672, MeSH D009386, MONDO:0015356.

Submission:

Ambry Genetics
Classification: Uncertain significance for Hereditary cancer-predisposing syndrome. Last evaluated: 2023-09-10. Review status: criteria provided, single submitter. Criteria: Ambry Variant Classification Scheme 2023. Collection method: clinical testing. Allele origin: germline.
Comment: The p.E126D variant (also known as c.378G>T), located in coding exon 1 of the HOXB13 gene, results from a G to T substitution at nucleotide position 378. The glutamic acid at codon 126 is replaced by aspartic acid, an amino acid with highly similar properties. This amino acid position is conserved. In addition, the in silico prediction for this alteration is inconclusive. Since supporting evidence is limited at this time, the clinical significance of this alteration remains unclear.